The following is an entry in ClinVar:

ClinVar aggregate classification (germline): Likely benign. Review status: criteria provided, multiple submitters, no conflicts (2 of 4 stars). 2 submissions from 2 submitters: Likely benign (2). Last evaluated 2026-07-01.

gnomAD v4.1: 1,947 of 1,613,746 alleles (0.12%); highest among the groups gnomAD compares: Non-Finnish European, 0.15%; no homozygotes.

Submissions (2):

CeGaT Center for Human Genetics Tuebingen
Classification: Likely benign. Last evaluated: 2026-07-01. Review status: criteria provided, single submitter. Criteria: CeGaT Center For Human Genetics Tuebingen Variant Classification Criteria Version 2. Collection method: clinical testing. Allele origin: germline. Affected: yes. Observed: 1 variant allele.
Comment: UMODL1: BP4

Ambry Genetics
Classification: Likely benign. Last evaluated: 2025-03-08. Review status: criteria provided, single submitter. Criteria: Ambry Variant Classification Scheme 2023. Collection method: clinical testing. Allele origin: germline.

NM_001004416.3(UMODL1):c.2369G>A (p.Arg790Gln)

Gene: UMODL1 (uromodulin like 1; plus strand). Cytogenetic location: 21q22.3.
Variant type: single nucleotide variant.
Coding change: c.2369G>A on transcript NM_001004416.3 (MANE Select); coding-DNA position 2369, G replaced by A.
Protein change: p.Arg790Gln; replaces arginine 790 with glutamine.
Molecular consequence: missense variant.
Genome position (GRCh38, 1-based): chr21:42,115,879, G>A. VCF-style: chr21-42115879-G-A. GRCh37 (hg19) VCF-style: chr21-43535989-G-A.
Other names: c.2537G>A, p.Arg846Gln (NM_001199527.3); c.2153G>A, p.Arg718Gln (NM_001199528.4); c.2753G>A, p.Arg918Gln (NM_173568.4); short protein forms R718Q, R918Q, R790Q, R846Q.
Identifiers: ClinVar variation 3813457 (VCV003813457.2).